The following is an entry in ClinVar:

NM_000138.5(FBN1):c.6599C>G (p.Pro2200Arg)

Gene: FBN1 (fibrillin 1; minus strand). Cytogenetic location: 15q21.1.
Variant type: single nucleotide variant.
Coding change: c.6599C>G on transcript NM_000138.5 (MANE Select); coding-DNA position 6599, C replaced by G.
Protein change: p.Pro2200Arg; replaces proline 2200 with arginine.
Molecular consequence: missense variant.
Genome position (GRCh38, 1-based): chr15:48,434,611, G>C on the plus strand (C>G on the coding strand, the complement: FBN1 is on the minus strand). VCF-style: chr15-48434611-G-C. GRCh37 (hg19) VCF-style: chr15-48726808-G-C.
Other names: c.6599C>G, p.Pro2200Arg (NM_001406716.1); short protein forms P2200R.
Identifiers: ClinVar variation 4756562 (VCV004756562.1).

ClinVar aggregate classification (germline): Uncertain significance (1 of 4 stars; one submission).

Conditions:
Familial thoracic aortic aneurysm and aortic dissection (TAAD). Also called: Thoracic aortic aneurysms and dissections. Identifiers: Orphanet 91387, MedGen C4707243, MONDO:0019625.

Submission:

Color Diagnostics, LLC DBA Color Health
Classification: Uncertain significance for Familial thoracic aortic aneurysm and aortic dissection. Last evaluated: 2025-09-22. Review status: criteria provided, single submitter. Criteria: ACMG Guidelines, 2015. Collection method: clinical testing. Allele origin: germline.
Comment: This missense variant replaces proline with arginine at codon 2200 of the FBN1 protein. Computational prediction is inconclusive regarding the impact of this variant on protein structure and function. To our knowledge, functional studies have not been reported for this variant. This variant has not been reported in individuals affected with FBN1-related disorders in the literature. This variant has not been identified in the general population by the Genome Aggregation Database (gnomAD). The available evidence is insufficient to determine the role of this variant in disease conclusively. Therefore, this variant is classified as a Variant of Uncertain Significance.